The following is an entry in ClinVar:

NM_002473.6(MYH9):c.3942+6G>A

Gene: MYH9 (myosin heavy chain 9; minus strand). Cytogenetic location: 22q12.3.
Variant type: single nucleotide variant.
Coding change: c.3942+6G>A on transcript NM_002473.6 (MANE Select); 6 bases into the intron after coding-DNA position 3942, G replaced by A.
Molecular consequence: intron variant.
Genome position (GRCh38, 1-based): chr22:36,293,753, C>T on the plus strand (G>A on the coding strand, the complement: MYH9 is on the minus strand). VCF-style: chr22-36293753-C-T. GRCh37 (hg19) VCF-style: chr22-36689799-C-T.
Identifiers: ClinVar variation 3648672 (VCV003648672.2).

ClinVar aggregate classification (germline): Uncertain significance (1 of 4 stars; one submission).

Submission:

Labcorp Genetics (formerly Invitae), Labcorp
Classification: Uncertain significance. Last evaluated: 2025-10-13. Review status: criteria provided, single submitter. Criteria: Invitae Variant Classification Sherloc (09022015). Collection method: clinical testing. Allele origin: germline.
Comment: This sequence change falls in intron 29 of the MYH9 gene. It does not directly change the encoded amino acid sequence of the MYH9 protein. It affects a nucleotide within the consensus splice site. This variant is not present in population databases (gnomAD no frequency). This variant has not been reported in the literature in individuals affected with MYH9-related conditions. ClinVar contains an entry for this variant (Variation ID: 3648672). Variants that disrupt the consensus splice site are a relatively common cause of aberrant splicing (PMID: 17576681, 9536098). Algorithms developed to predict the effect of sequence changes on RNA splicing suggest that this variant is not likely to affect RNA splicing. In summary, the available evidence is currently insufficient to determine the role of this variant in disease. Therefore, it has been classified as a Variant of Uncertain Significance.

Literature cited by the submitters: PubMed 17576681; PubMed 9536098.